The following is an entry in ClinVar:

ClinVar aggregate classification (germline): Likely pathogenic (1 of 4 stars; one submission).

Conditions:
Complex cortical dysplasia with other brain malformations 5. Identifiers: MedGen C3810407, MONDO:0014337, OMIM 615763.

Submission:

Institute of Human Genetics, University of Leipzig Medical Center
Classification: Likely pathogenic for Complex cortical dysplasia with other brain malformations 5. Last evaluated: 2025-03-25. Review status: criteria provided, single submitter. Criteria: ACMG Guidelines, 2015. Collection method: clinical testing. Allele origin: unknown. Inheritance: Autosomal dominant inheritance. Affected: yes.
Comment: Criteria applied: PM1,PM2,PP2,PP3,PP4

NM_001069.3(TUBB2A):c.620T>C (p.Leu207Pro)

Gene: TUBB2A (tubulin beta 2A class IIa; minus strand). Cytogenetic location: 6p25.2.
Variant type: single nucleotide variant.
Coding change: c.620T>C on transcript NM_001069.3 (MANE Select); coding-DNA position 620, T replaced by C.
Protein change: p.Leu207Pro; replaces leucine 207 with proline.
Molecular consequence: missense variant.
Genome position (GRCh38, 1-based): chr6:3,154,581, A>G on the plus strand (T>C on the coding strand, the complement: TUBB2A is on the minus strand). VCF-style: chr6-3154581-A-G. GRCh37 (hg19) VCF-style: chr6-3154815-A-G.
Other names: c.365T>C, p.Leu122Pro (NM_001310315.2); short protein forms L122P, L207P.
Identifiers: ClinVar variation 3778745 (VCV003778745.1).